The following is an entry in ClinVar:

ClinVar aggregate classification (germline): Benign. Review status: criteria provided, multiple submitters, no conflicts (2 of 4 stars). 2 submissions from 2 submitters: Benign (2). Last evaluated 2018-01-12.

Conditions:
Desmosterolosis. Identifiers: Orphanet 35107, MedGen C1865596, MONDO:0011217, OMIM 602398.

Allele frequency attached by ClinVar (database versions not stated): 1000 Genomes Project 30x 0.98282; gnomAD exomes 1.00000; 1000 Genomes Project 0.98323; TOPMed 0.98881; gnomAD 0.98926 and 0.98973.
gnomAD v4.1: 150,782 of 152,402 alleles (99%); highest among the groups gnomAD compares: Middle Eastern, 100%; 74,606 homozygotes.

Submissions (2):

Illumina Laboratory Services, Illumina
Classification: Benign for Desmosterolosis. Last evaluated: 2018-01-12. Review status: criteria provided, single submitter. Criteria: ICSL Variant Classification Criteria 13 December 2019. Collection method: clinical testing. Allele origin: germline.
Comment: This variant was observed in the ICSL laboratory as part of a predisposition screen in an ostensibly healthy population. It had not been previously curated by ICSL or reported in the Human Gene Mutation Database (HGMD: prior to June 1st, 2018), and was therefore a candidate for classification through an automated scoring system. Utilizing variant allele frequency, disease prevalence and penetrance estimates, and inheritance mode, an automated score was calculated to assess if this variant is too frequent to cause the disease. Based on the score and internal cut-off values, a variant classified as benign is not then subjected to further curation. The score for this variant resulted in a classification of benign for this disease.

Breakthrough Genomics
Classification: Benign. Review status: criteria provided, single submitter. Criteria: ACMG Guidelines, 2015. Collection method: not provided. Allele origin: germline. Inheritance: Autosomal recessive inheritance. Affected: yes.

NM_014762.4(DHCR24):c.*1824T>G

Gene: DHCR24 (24-dehydrocholesterol reductase; minus strand). Cytogenetic location: 1p32.3.
Variant type: single nucleotide variant.
Coding change: c.*1824T>G on transcript NM_014762.4 (MANE Select); 1824 bases downstream of the stop codon, T replaced by G.
Molecular consequence: 3 prime UTR variant.
Genome position (GRCh38, 1-based): chr1:54,850,409, A>C on the plus strand (T>G on the coding strand, the complement: DHCR24 is on the minus strand). VCF-style: chr1-54850409-A-C. GRCh37 (hg19) VCF-style: chr1-55316082-A-C.
Identifiers: ClinVar variation 297623 (VCV000297623.6), dbSNP rs654561, ClinGen allele CA10611382.